The following is an entry in ClinVar:

ClinVar aggregate classification (germline): Uncertain significance (1 of 4 stars; one submission).

Conditions:
Hereditary cancer-predisposing syndrome. Also called: Hereditary Cancer Syndrome; Hereditary neoplastic syndrome; Neoplastic Syndromes, Hereditary; Tumor predisposition. Identifiers: Orphanet 140162, MedGen C0027672, MeSH D009386, MONDO:0015356.

Submission:

Ambry Genetics
Classification: Uncertain significance for Hereditary cancer-predisposing syndrome. Last evaluated: 2025-08-23. Review status: criteria provided, single submitter. Criteria: Ambry Variant Classification Scheme 2023. Collection method: clinical testing. Allele origin: germline.
Comment: The p.K503T variant (also known as c.1508A>C), located in coding exon 16 of the CDC73 gene, results from an A to C substitution at nucleotide position 1508. The lysine at codon 503 is replaced by threonine, an amino acid with similar properties. This amino acid position is conserved. In addition, this alteration is predicted to be tolerated by in silico analysis. Based on the available evidence, the clinical significance of this variant remains unclear.

NM_024529.5(CDC73):c.1508A>C (p.Lys503Thr)

Gene: CDC73 (cell division cycle 73; plus strand). Cytogenetic location: 1q31.2.
Variant type: single nucleotide variant.
Coding change: c.1508A>C on transcript NM_024529.5 (MANE Select); coding-DNA position 1508, A replaced by C.
Protein change: p.Lys503Thr; replaces lysine 503 with threonine.
Molecular consequence: missense variant.
Genome position (GRCh38, 1-based): chr1:193,249,820, A>C. VCF-style: chr1-193249820-A-C. GRCh37 (hg19) VCF-style: chr1-193218950-A-C.
Other names: short protein forms K503T.
Identifiers: ClinVar variation 4223486 (VCV004223486.1).
Genomic context (GRCh38, chr1:193,249,820, plus strand): 5'-TTCGTCTGGATCCAAATGTTCAGAAATGGGATGTAACAGTATTAGAACTCAGCTATCACA[A>C]ACGTCATTTGGATAGACCAGTGTTCTTACGGTTTTGGGAAACATTGGACAGGTAATTCCG-3'
Protein context (NP_078805.3, residues 493-513): DVTVLELSYH[Lys503Thr]RHLDRPVFLR